The following is an entry in ClinVar:

NM_001382430.1(AKT1):c.1249T>G (p.Tyr417Asp)

Gene: AKT1 (AKT serine/threonine kinase 1; minus strand). Cytogenetic location: 14q32.33.
Variant type: single nucleotide variant.
Coding change: c.1249T>G on transcript NM_001382430.1 (MANE Select); coding-DNA position 1249, T replaced by G.
Protein change: p.Tyr417Asp; replaces tyrosine 417 with aspartic acid.
Molecular consequence: missense variant.
Genome position (GRCh38, 1-based): chr14:104,772,376, A>C on the plus strand (T>G on the coding strand, the complement: AKT1 is on the minus strand). VCF-style: chr14-104772376-A-C. GRCh37 (hg19) VCF-style: chr14-105238713-A-C.
Other names: c.1249T>G, p.Tyr417Asp (NM_001014431.2, NM_001014432.2, NM_001382431.1 and 3 more transcripts); short protein forms Y417D.
Identifiers: ClinVar variation 1760286 (VCV001760286.2), dbSNP rs1468001776, ClinGen allele CA391216092.
Genomic context (GRCh38, chr14:104,772,376, plus strand): 5'-GATATGTGGGGAGCATGCGTGCGCGTGAATATGCGGGGAGCAGCCGCACCTTCTTCTCGT[A>C]CACGTGCTGCCACACGATACCGGCAAAGAAGCGATGCTGCATGATCTCCTTGGCGTCCTC-3'
Protein context (NP_001369359.1, residues 407-427): FFAGIVWQHV[Tyr417Asp]EKKLSPPFKP

ClinVar aggregate classification (germline): Uncertain significance (1 of 4 stars; one submission).

Conditions:
Inborn genetic diseases. Identifiers: MedGen C0950123, MeSH D030342.

Allele frequency attached by ClinVar (database versions not stated): gnomAD exomes 0.00001.
gnomAD v4.1: 12 of 1,613,882 alleles (0.00074%); highest among the groups gnomAD compares: African/African-American, 0.0013%; no homozygotes.

Submission:

Ambry Genetics
Classification: Uncertain significance for Inborn genetic diseases. Last evaluated: 2021-10-19. Review status: criteria provided, single submitter. Criteria: Ambry Variant Classification Scheme 2023. Collection method: clinical testing. Allele origin: germline.
Comment: The p.Y417D variant (also known as c.1249T>G), located in coding exon 11 of the AKT1 gene, results from a T to G substitution at nucleotide position 1249. The tyrosine at codon 417 is replaced by aspartic acid, an amino acid with highly dissimilar properties. This amino acid position is conserved. In addition, the in silico prediction for this alteration is inconclusive. Since supporting evidence is limited at this time, the clinical significance of this alteration remains unclear.